The following is an entry in ClinVar:

ClinVar aggregate classification (germline): Uncertain significance. Review status: criteria provided, multiple submitters, no conflicts (2 of 4 stars). 3 submissions from 3 submitters: Uncertain significance (2). 1 of the submissions does not count toward it. Last evaluated 2024-12-30.

Conditions:
Neurodevelopmental disorder with infantile epileptic spasms. Identifiers: MedGen C5543538, MONDO:0859162, OMIM 619373.
NCDN-related disorder. Also called: NCDN-related condition.

Allele frequency attached by ClinVar (database versions not stated): gnomAD exomes 0.00003; 1000 Genomes Project 30x 0.00016; 1000 Genomes Project 0.00020; ESP Exome Variant Server 0.00023.

Submissions (3):

Ambry Genetics
Classification: Uncertain significance. Last evaluated: 2024-12-30. Review status: criteria provided, single submitter. Criteria: Ambry Variant Classification Scheme 2023. Collection method: clinical testing. Allele origin: germline.

Neuberg Centre For Genomic Medicine, NCGM
Classification: Uncertain significance for Neurodevelopmental disorder with infantile epileptic spasms. Last evaluated: 2023-07-22. Review status: criteria provided, single submitter. Criteria: ACMG Guidelines, 2015. Collection method: clinical testing. Allele origin: germline. Inheritance: Autosomal dominant inheritance. Affected: yes.
Comment: The missense c.565G>Ap.Gly189Ser variant in NCDN gene has not been reported previously as a pathogenic variant nor as a benign variant, to our knowledge. The p.Gly189Ser variant is present with allele frequency of 0.004% in gnomAD Exomes. This variant has not been submitted to the ClinVar database. Multiple lines of computational evidences Polyphen - Possibly damaging, SIFT - Tolerated and MutationTaster - Disease causing predict conflicting evidence on protein structure and function for this variant. The reference amino acid at this position on NCDN gene is predicted as conserved by GERP++ and PhyloP across 100 vertebrates. The amino acid Gly at position 189 is changed to a Ser changing protein sequence and it might alter its composition and physico-chemical properties. For these reasons, this variant has been classified as a Variant of Uncertain Significance VUS.

PreventionGenetics, part of Exact Sciences
Classification: Likely benign for NCDN-related condition. Last evaluated: 2024-08-28. Review status: no assertion criteria provided. Collection method: clinical testing. Allele origin: germline. Not counted in ClinVar's aggregate classification.
Comment: This variant is classified as likely benign based on ACMG/AMP sequence variant interpretation guidelines (Richards et al. 2015 PMID: 25741868, with internal and published modifications).

NM_014284.3(NCDN):c.565G>A (p.Gly189Ser)

Gene: NCDN (neurochondrin; plus strand). Cytogenetic location: 1p34.3.
Variant type: single nucleotide variant.
Coding change: c.565G>A on transcript NM_014284.3 (MANE Select); coding-DNA position 565, G replaced by A.
Protein change: p.Gly189Ser; replaces glycine 189 with serine.
Molecular consequence: missense variant.
Genome position (GRCh38, 1-based): chr1:35,560,716, G>A. VCF-style: chr1-35560716-G-A. GRCh37 (hg19) VCF-style: chr1-36026317-G-A.
Other names: c.565G>A, p.Gly189Ser (NM_001014839.2); c.514G>A, p.Gly172Ser (NM_001014841.2); c.565G>A (NM_001014839.1); short protein forms G172S, G189S.
Identifiers: ClinVar variation 2248408 (VCV002248408.5), dbSNP rs138793608, ClinGen allele CA760130.